The following is an entry in ClinVar:

ClinVar aggregate classification (germline): Uncertain significance (1 of 4 stars; one submission).

Conditions:
RASopathy. Also called: rasopathies; Noonan spectrum disorder. Identifiers: Orphanet 536391, MedGen C5555857, MONDO:0021060.

gnomAD v4.1: 2 of 1,577,218 alleles (0.00013%); highest among the groups gnomAD compares: South Asian, 0.0012%; no homozygotes.

Submission:

Labcorp Genetics (formerly Invitae), Labcorp
Classification: Uncertain significance for RASopathy. Last evaluated: 2024-12-10. Review status: criteria provided, single submitter. Criteria: Invitae Variant Classification Sherloc (09022015). Collection method: clinical testing. Allele origin: germline.
Comment: This sequence change replaces glycine, which is neutral and non-polar, with aspartic acid, which is acidic and polar, at codon 19 of the CBL protein (p.Gly19Asp). This variant is not present in population databases (gnomAD no frequency). This variant has not been reported in the literature in individuals affected with CBL-related conditions. Invitae Evidence Modeling of protein sequence and biophysical properties (such as structural, functional, and spatial information, amino acid conservation, physicochemical variation, residue mobility, and thermodynamic stability) indicates that this missense variant is not expected to disrupt CBL protein function with a negative predictive value of 95%. In summary, the available evidence is currently insufficient to determine the role of this variant in disease. Therefore, it has been classified as a Variant of Uncertain Significance.

NM_005188.4(CBL):c.56G>A (p.Gly19Asp)

Genes: CBL (Cbl proto-oncogene; plus strand), LOC130006895 (ATAC-STARR-seq lymphoblastoid silent region 3975; plus strand). Cytogenetic location: 11q23.3.
Variant type: single nucleotide variant.
Coding change: c.56G>A on transcript NM_005188.4 (MANE Select); coding-DNA position 56, G replaced by A.
Protein change: p.Gly19Asp; replaces glycine 19 with aspartic acid.
Molecular consequence: missense variant.
Genome position (GRCh38, 1-based): chr11:119,206,473, G>A. VCF-style: chr11-119206473-G-A. GRCh37 (hg19) VCF-style: chr11-119077183-G-A.
Other names: short protein forms G19D.
Identifiers: ClinVar variation 3680105 (VCV003680105.2).